The following is an entry in ClinVar:

NM_000719.7(CACNA1C):c.2853+1565T>A

Gene: CACNA1C (calcium voltage-gated channel subunit alpha1 C; plus strand). Cytogenetic location: 12p13.33.
Variant type: single nucleotide variant.
Coding change: c.2853+1565T>A on transcript NM_000719.7 (MANE Select); 1565 bases into the intron after coding-DNA position 2853, T replaced by A.
Molecular consequence: intron variant.
Genome position (GRCh38, 1-based): chr12:2,598,854, T>A. VCF-style: chr12-2598854-T-A. GRCh37 (hg19) VCF-style: chr12-2708020-T-A.
Other names: c.2853+1565T>A (NM_001167624.3, NM_001167623.2, NM_001167625.2 and 7 more transcripts); c.2853+1358T>A (NM_001129840.2, NM_001129836.2, NM_001129841.2 and 5 more transcripts); c.2913+1358T>A (NM_199460.4, NM_001129827.2, NM_001129832.2); c.2844+1565T>A (NM_001129844.2).
Identifiers: ClinVar variation 4855755 (VCV004855755.1).
Genomic context (GRCh38, chr12:2,598,854, plus strand): 5'-CTTGTCCCCAGGACACTCAGGTGCCCCCAGCTGCCATCCCTGGTTCCTGCTAACCAAGTA[T>A]GTGGCTCAGATTTTTCTTTTCTGCTCGTGGAGAGTAGATCTGACCAGGCCTTGGTTCCTG-3'

ClinVar aggregate classification (germline): Uncertain significance (1 of 4 stars; one submission).

Conditions:
Neurodevelopmental disorder with hypotonia, language delay, and skeletal defects with or without seizures (NEDHLSS). Identifiers: MedGen C5774213, MONDO:0859286, OMIM 620029.

Submission:

3billion
Classification: Uncertain significance for Neurodevelopmental disorder with hypotonia, language delay, and skeletal defects with or without seizures. Last evaluated: 2025-07-30. Review status: criteria provided, single submitter. Criteria: ACMG Guidelines, 2015. Collection method: clinical testing. Allele origin: germline. Affected: yes.
Comment: The variant is not observed in the gnomAD v4.1.0 dataset. Predicted Consequence/Location: Intron variant In silico tools predict the variant to alter splicing and produce an abnormal transcript [SpliceAI: 0.27 (>=0.2, moderate evidence for spliceogenicity)]. Therefore, this variant is classified as VUS according to the recommendation of ACMG/AMP guideline.